The following is an entry in ClinVar:

ClinVar aggregate classification (germline): Uncertain significance. Review status: criteria provided, multiple submitters, no conflicts (2 of 4 stars). 3 submissions from 3 submitters: Uncertain significance (3). Last evaluated 2025-03-06.

Conditions:
Hereditary spastic paraplegia 30. Identifiers: Orphanet 101010, MedGen C5235139, MONDO:0012476.
Neuropathy, hereditary sensory, type 2C. Also called: KIF1A-Related HSAN2 (HSAN2C); Hereditary sensory and autonomic neuropathy type IIC. Identifiers: Orphanet 970, MedGen C3280168, MONDO:0013634, OMIM 614213.
Intellectual disability, autosomal dominant 9 (NESCAVS). Also called: NESCAV SYNDROME; KIF1A-Related Neurodevelopmental Disorder. Identifiers: Orphanet 662367, MedGen C5393830, MONDO:0013656, OMIM 614255.

Submissions (3):

GeneDx
Classification: Uncertain significance. Last evaluated: 2025-03-06. Review status: criteria provided, single submitter. Criteria: GeneDx Variant Classification Process June 2021. Collection method: clinical testing. Allele origin: germline.
Comment: In silico analysis supports a deleterious effect on protein structure/function; Has not been previously published as pathogenic or benign to our knowledge; In-frame deletion of 1 amino acid(s) with an unclear effect on protein function; This variant is associated with the following publications: (PMID: 26125038, 21820098, 21376300)

Labcorp Genetics (formerly Invitae), Labcorp
Classification: Uncertain significance for Hereditary spastic paraplegia 30; Neuropathy, hereditary sensory, type 2C; Intellectual disability, autosomal dominant 9. Last evaluated: 2024-03-08. Review status: criteria provided, single submitter. Criteria: Invitae Variant Classification Sherloc (09022015). Collection method: clinical testing. Allele origin: germline.
Comment: This variant, c.899_901del, results in the deletion of 1 amino acid(s) of the KIF1A protein (p.Lys300del), but otherwise preserves the integrity of the reading frame. This variant is present in population databases (rs751165127, gnomAD 0.0009%). This variant has not been reported in the literature in individuals affected with KIF1A-related conditions. ClinVar contains an entry for this variant (Variation ID: 581071). Experimental studies and prediction algorithms are not available or were not evaluated, and the functional significance of this variant is currently unknown. In summary, the available evidence is currently insufficient to determine the role of this variant in disease. Therefore, it has been classified as a Variant of Uncertain Significance.

CeGaT Center for Human Genetics Tuebingen
Classification: Uncertain significance. Last evaluated: 2024-01-01. Review status: criteria provided, single submitter. Criteria: CeGaT Center For Human Genetics Tuebingen Variant Classification Criteria Version 2. Collection method: clinical testing. Allele origin: germline. Affected: yes. Observed: 1 variant allele.
Comment: KIF1A: PM1, PM2

NM_001244008.2(KIF1A):c.893AGA[2] (p.Lys300del)

Gene: KIF1A (kinesin family member 1A; minus strand). Cytogenetic location: 2q37.3.
Variant type: Microsatellite.
Coding change: c.893AGA[2] on transcript NM_001244008.2 (MANE Select); two copies in a row of the 3-base unit AGA starting at c.893; the reference has three copies in a row; one copy, 3 bases deleted.
Protein change: p.Lys300del; deletes lysine 300.
Molecular consequence: inframe deletion.
Genome position (GRCh38, 1-based): chr2:240,775,908-240,775,910, TCT deleted on the plus strand (AGA on the coding strand, the reverse complement: KIF1A is on the minus strand); deleting any 3 consecutive bases within chr2:240,775,908-240,775,917 gives the same sequence; the position shown is the placement nearest the transcript's 3' end. VCF-style (leftmost placement, unchanged base first): chr2-240775907-GTCT-G. GRCh37 (hg19) VCF-style: chr2-241715324-GTCT-G.
Other names: c.899_901del (NM_004321.6); c.893AGA[2], p.Lys300del (NM_001320705.2, NM_001330289.2, NM_001330290.2 and 20 more transcripts); short protein forms K300del.
Identifiers: ClinVar variation 581071 (VCV000581071.35), dbSNP rs751165127, ClinGen allele CA2208595.
Genomic context (GRCh38, chr2:240,775,907, plus strand): 5'-TCACCCAGGTTTTCCCGGAGGAGCCAGGTCAACACGGAATCTCGGTACGGAATGAAATCT[GTCT>G]TCTTCTTTTTCTTGTTCTGTGGGGGAGGAACATTCAAGGTCAAGCCCGAGCCCACTGCAG-3'